The following is an entry in ClinVar:

ClinVar aggregate classification (germline): Pathogenic/Likely pathogenic. Review status: criteria provided, multiple submitters, no conflicts (2 of 4 stars). 2 submissions from 2 submitters: Pathogenic (1); Likely pathogenic (1). Last evaluated 2025-04-22.

Conditions:
CTC1-related disorder. Also called: CTC1-related condition.
Dyskeratosis congenita. Identifiers: Orphanet 1775, MedGen C0265965, MONDO:0015780.

Submissions (2):

PreventionGenetics, part of Exact Sciences
Classification: Likely pathogenic for CTC1-related condition. Last evaluated: 2025-04-22. Review status: criteria provided, single submitter. Criteria: ACMG Guidelines, 2015. Collection method: clinical testing. Allele origin: germline.
Comment: The CTC1 c.1966_1967delAG variant is predicted to result in a frameshift and premature protein termination (p.Arg656Valfs*40). To our knowledge, this variant has not been reported in the literature or in a large population database (gnomAD), indicating this variant is rare. Frameshift variants in CTC1 are expected to be pathogenic. This variant is interpreted as likely pathogenic.

Labcorp Genetics (formerly Invitae), Labcorp
Classification: Pathogenic for Dyskeratosis congenita. Last evaluated: 2025-04-07. Review status: criteria provided, single submitter. Criteria: Invitae Variant Classification Sherloc (09022015). Collection method: clinical testing. Allele origin: germline.
Comment: This sequence change creates a premature translational stop signal (p.Arg656Valfs*40) in the CTC1 gene. It is expected to result in an absent or disrupted protein product. Loss-of-function variants in CTC1 are known to be pathogenic (PMID: 22267198, 22387016). This variant is not present in population databases (gnomAD no frequency). This variant has not been reported in the literature in individuals affected with CTC1-related conditions. For these reasons, this variant has been classified as Pathogenic.

Literature cited by the submitters: PubMed 22267198 (cited by Labcorp Genetics (formerly Invitae), Labcorp); PubMed 22387016 (cited by Labcorp Genetics (formerly Invitae), Labcorp).

NM_025099.6(CTC1):c.1966_1967del (p.Arg656fs)

Gene: CTC1 (CST telomere replication complex component 1; minus strand). Cytogenetic location: 17p13.1.
Variant type: Microsatellite.
Coding change: c.1966_1967del on transcript NM_025099.6 (MANE Select); coding-DNA positions 1966 to 1967, 2 bases deleted (AG; older notation c.1966_1967delAG).
Protein change: p.Arg656fs; shifts the reading frame from arginine 656.
Molecular consequence: frameshift variant. On other transcripts: non-coding transcript variant (1).
Genome position (GRCh38, 1-based): chr17:8,232,454-8,232,455, CT deleted on the plus strand (AG on the coding strand, the reverse complement: CTC1 is on the minus strand); deleting any 2 consecutive bases within chr17:8,232,454-8,232,459 gives the same sequence; the c. name uses the placement nearest the transcript's 3' end. VCF-style (leftmost placement, unchanged base first): chr17-8232453-CCT-C. GRCh37 (hg19) VCF-style: chr17-8135771-CCT-C.
Other names: c.1966_1967delAG (NM_025099.5); c.1966_1967del, p.Arg656fs (NM_001411067.1); short protein forms R656fs.
Identifiers: ClinVar variation 4782291 (VCV004782291.2).
Genomic context (GRCh38, chr17:8,232,453, plus strand): 5'-GCTCAGCTCCTTCCAGGAAGGGAAGCTGCTTCTCACGTCCCTCTCTACGATCAACTGAAA[CCT>C]CTCTGCCCGCACCAGGCAGCCTAGAGGAAGAAAGTTTTCTGTTTTGACAAGAAAGGAGAC-3'